The following is an entry in ClinVar:

NM_025114.4(CEP290):c.3167C>A (p.Ser1056Ter)

Gene: CEP290 (centrosomal protein 290; minus strand). Cytogenetic location: 12q21.32.
Variant type: single nucleotide variant.
Coding change: c.3167C>A on transcript NM_025114.4 (MANE Select); coding-DNA position 3167, C replaced by A.
Protein change: p.Ser1056Ter; replaces serine 1056 with a stop codon.
Molecular consequence: nonsense.
Genome position (GRCh38, 1-based): chr12:88,093,912, G>T on the plus strand (C>A on the coding strand, the complement: CEP290 is on the minus strand). VCF-style: chr12-88093912-G-T. GRCh37 (hg19) VCF-style: chr12-88487689-G-T.
Other names: short protein forms S1056*.
Identifiers: ClinVar variation 1324056 (VCV001324056.11), dbSNP rs1267970567, ClinGen allele CA386006370.

ClinVar aggregate classification (germline): Pathogenic/Likely pathogenic. Review status: criteria provided, multiple submitters, no conflicts (2 of 4 stars). 4 submissions from 4 submitters: Pathogenic (2); Likely pathogenic (2). Last evaluated 2025-06-15.

Conditions:
Meckel-Gruber syndrome. Also called: Dysencephalia splachnocystica; DYSENCEPHALIA SPLANCHNOCYSTICA; GRUBER SYNDROME. Identifiers: Orphanet 564, MedGen C0265215, MONDO:0018921.
Joubert syndrome. Also called: Familial aplasia of the vermis; JOUBERT-BOLTSHAUSER SYNDROME. Identifiers: Orphanet 475, MedGen C5979921, MONDO:0018772.
Nephronophthisis. Also called: Juvenile Nephronophthisis. Identifiers: Orphanet 655, MedGen C0687120, MONDO:0019005, HP:0000090.
CEP290-related ciliopathy. Also called: CEP290 ciliopathy. Identifiers: MedGen CN305601, MONDO:0100451.
Bardet-Biedl syndrome 14 (BBS14). Identifiers: Orphanet 110, MedGen C2673874, MONDO:0014442, OMIM 615991.

Allele frequency attached by ClinVar (database versions not stated): TOPMed below 0.00001; gnomAD 0.00001.

Submissions (4):

Myriad Genetics, Inc.
Classification: Pathogenic for CEP290-related ciliopathy. Last evaluated: 2025-06-15. Review status: criteria provided, single submitter. Criteria: Myriad Autosomal Dominant, Autosomal Recessive and X-Linked Classification Criteria (2023). Collection method: clinical testing. Allele origin: unknown.
Comment: NM_025114.3(CEP290):c.3167C>A(S1056*) is expected to be pathogenic in the context of CEP290-related disorders. This variant is predicted to lead to an abnormal or absent protein product due to the creation of a premature termination codon in CEP290, a gene where loss-of-function variants are known to be pathogenic. Please note: this variant was assessed in the context of healthy population screening.

Labcorp Genetics (formerly Invitae), Labcorp
Classification: Pathogenic for Joubert syndrome; Meckel-Gruber syndrome; Nephronophthisis. Last evaluated: 2023-04-14. Review status: criteria provided, single submitter. Criteria: Invitae Variant Classification Sherloc (09022015). Collection method: clinical testing. Allele origin: germline.
Comment: For these reasons, this variant has been classified as Pathogenic. Algorithms developed to predict the effect of sequence changes on RNA splicing suggest that this variant may disrupt the consensus splice site. ClinVar contains an entry for this variant (Variation ID: 1324056). This variant has not been reported in the literature in individuals affected with CEP290-related conditions. This variant is not present in population databases (gnomAD no frequency). This sequence change creates a premature translational stop signal (p.Ser1056*) in the CEP290 gene. It is expected to result in an absent or disrupted protein product. Loss-of-function variants in CEP290 are known to be pathogenic (PMID: 16909394, 17345604, 20690115).

Baylor Genetics
Classification: Likely pathogenic for Bardet-Biedl syndrome 14. Last evaluated: 2021-12-30. Review status: criteria provided, single submitter. Criteria: ACMG Guidelines, 2015. Collection method: clinical testing. Allele origin: unknown.

Revvity Omics, Revvity
Classification: Likely pathogenic. Last evaluated: 2021-06-10. Review status: criteria provided, single submitter. Criteria: ACMG Guidelines, 2015. Collection method: clinical testing. Allele origin: germline.

Literature cited by the submitters: PubMed 16909394 (cited by Labcorp Genetics (formerly Invitae), Labcorp); PubMed 17345604 (cited by Labcorp Genetics (formerly Invitae), Labcorp); PubMed 20690115 (cited by Labcorp Genetics (formerly Invitae), Labcorp).